The following is an entry in ClinVar:

NM_004006.3(DMD):c.7678C>T (p.Gln2560Ter)

Gene: DMD (dystrophin; minus strand). Cytogenetic location: Xp21.1.
Variant type: single nucleotide variant.
Coding change: c.7678C>T on transcript NM_004006.3 (MANE Select); coding-DNA position 7678, C replaced by T.
Protein change: p.Gln2560Ter; replaces glutamine 2560 with a stop codon.
Molecular consequence: nonsense.
Genome position (GRCh38, 1-based): chrX:31,679,569, G>A on the plus strand (C>T on the coding strand, the complement: DMD is on the minus strand). VCF-style: chrX-31679569-G-A. GRCh37 (hg19) VCF-style: chrX-31697686-G-A.
Other names: c.7654C>T, p.Gln2552Ter (NM_000109.4); c.7666C>T, p.Gln2556Ter (NM_004009.3); c.7309C>T, p.Gln2437Ter (NM_004010.3); c.3655C>T, p.Gln1219Ter (NM_004011.4); c.3646C>T, p.Gln1216Ter (NM_004012.4); c.298C>T, p.Gln100Ter (NM_004013.3, NM_004020.4, NM_004021.3 and 2 more transcripts); short protein forms Q2552*, Q100*, Q2437*, Q1216*, Q2560*, Q1219*, Q2556*.
Identifiers: ClinVar variation 4717307 (VCV004717307.1).
Genomic context (GRCh38, chrX:31,679,569, plus strand): 5'-TTAACATTTCATTCAACTGTTGCCTCCGGTTCTGAAGGTGTTCTTGTACTTCATCCCACT[G>A]ATTCTGAATTCTTTCAACTAGAATAAAAGGAAAAATAAATATATAGTAGTAAATGCTAGT-3'

ClinVar aggregate classification (germline): Pathogenic (1 of 4 stars; one submission).

Conditions:
Duchenne muscular dystrophy (DMD). Also called: MUSCULAR DYSTROPHY, PSEUDOHYPERTROPHIC PROGRESSIVE, DUCHENNE TYPE; Duchenne Muscular Dystrophy (DMD). Identifiers: Orphanet 98896, MedGen C0013264, MONDO:0010679, OMIM 310200.

Submission:

Labcorp Genetics (formerly Invitae), Labcorp
Classification: Pathogenic for Duchenne muscular dystrophy. Last evaluated: 2025-05-07. Review status: criteria provided, single submitter. Criteria: Invitae Variant Classification Sherloc (09022015). Collection method: clinical testing. Allele origin: germline.
Comment: This sequence change creates a premature translational stop signal (p.Gln2560*) in the DMD gene. It is expected to result in an absent or disrupted protein product. Loss-of-function variants in DMD are known to be pathogenic (PMID: 16770791, 25007885). This variant is not present in population databases (gnomAD no frequency). This variant has not been reported in the literature in individuals affected with DMD-related conditions. For these reasons, this variant has been classified as Pathogenic.

Literature cited by the submitters: PubMed 16770791; PubMed 25007885.